The following is an entry in ClinVar:

NM_001032.5(RPS29):c.85G>A (p.Gly29Ser)

Gene: RPS29 (ribosomal protein S29; minus strand). Cytogenetic location: 14q21.3.
Variant type: single nucleotide variant.
Coding change: c.85G>A on transcript NM_001032.5 (MANE Select); coding-DNA position 85, G replaced by A.
Protein change: p.Gly29Ser; replaces glycine 29 with serine.
Molecular consequence: missense variant.
Genome position (GRCh38, 1-based): chr14:49,586,027, C>T on the plus strand (G>A on the coding strand, the complement: RPS29 is on the minus strand). VCF-style: chr14-49586027-C-T. GRCh37 (hg19) VCF-style: chr14-50052745-C-T.
Other names: c.85G>A, p.Gly29Ser (NM_001030001.4); c.76G>A, p.Gly26Ser (NM_001351375.2); short protein forms G26S, G29S.
Identifiers: ClinVar variation 3727923 (VCV003727923.2).
Genomic context (GRCh38, chr14:49,586,027, plus strand): 5'-CCTTCGCGTACTGACGGAAACACTGGCGGCACATATTGAGGCCATATTTCCGGATCAGAC[C>T]GTGCCGGTTTGAACAGACACGACTGTAAGAAAAGAGACAGCGGTTTTGCAGGTCATAGAA-3'
Protein context (NP_001023.1, residues 19-39): RSCRVCSNRH[Gly29Ser]LIRKYGLNMC

ClinVar aggregate classification (germline): Uncertain significance (1 of 4 stars; one submission).

Submission:

Labcorp Genetics (formerly Invitae), Labcorp
Classification: Uncertain significance. Last evaluated: 2025-03-10. Review status: criteria provided, single submitter. Criteria: Invitae Variant Classification Sherloc (09022015). Collection method: clinical testing. Allele origin: germline.
Comment: This sequence change replaces glycine, which is neutral and non-polar, with serine, which is neutral and polar, at codon 29 of the RPS29 protein (p.Gly29Ser). This variant is not present in population databases (gnomAD no frequency). This variant has not been reported in the literature in individuals affected with RPS29-related conditions. This missense change has been observed in at least one individual who was not affected with RPS29-related conditions (internal data). An algorithm developed to predict the effect of missense changes on protein structure and function (PolyPhen-2) suggests that this variant is likely to be tolerated. In summary, the available evidence is currently insufficient to determine the role of this variant in disease. Therefore, it has been classified as a Variant of Uncertain Significance.